The following is an entry in ClinVar:

NM_004360.5(CDH1):c.*2G>C

Gene: CDH1 (cadherin 1; plus strand). Cytogenetic location: 16q22.1.
Variant type: single nucleotide variant.
Coding change: c.*2G>C on transcript NM_004360.5 (MANE Select); 2 bases downstream of the stop codon, G replaced by C.
Molecular consequence: 3 prime UTR variant.
Genome position (GRCh38, 1-based): chr16:68,833,501, G>C. VCF-style: chr16-68833501-G-C. GRCh37 (hg19) VCF-style: chr16-68867404-G-C.
Other names: c.*2G>C (NM_001317184.2, NM_001317185.2, NM_001317186.2).
Identifiers: ClinVar variation 920481 (VCV000920481.3), dbSNP rs1961549221, ClinGen allele CA1139664748.

ClinVar aggregate classification (germline): Uncertain significance (1 of 4 stars; one submission).

Conditions:
Hereditary cancer-predisposing syndrome. Also called: Neoplastic Syndromes, Hereditary; Tumor predisposition; Hereditary Cancer Syndrome; Hereditary neoplastic syndrome. Identifiers: Orphanet 140162, MedGen C0027672, MeSH D009386, MONDO:0015356.

Submission:

Color Diagnostics, LLC DBA Color Health
Classification: Uncertain significance for Hereditary cancer-predisposing syndrome. Last evaluated: 2019-09-23. Review status: criteria provided, single submitter. Criteria: ACMG Guidelines, 2015. Collection method: clinical testing. Allele origin: germline.
Comment: This variant is located in the 3' untranslated region of the CDH1 gene. Splice site prediction tools suggest that this variant may not impact RNA splicing. To our knowledge, functional studies have not been performed for this variant. This variant has not been reported in individuals affected with hereditary cancer in the literature. This variant has not been identified in the general population by the Genome Aggregation Database (gnomAD). The available evidence is insufficient to determine the role of this variant in disease conclusively. Therefore, this variant is classified as a Variant of Uncertain Significance.